The following is an entry in ClinVar:

NM_012233.3(RAB3GAP1):c.2773C>T (p.Gln925Ter)

Gene: RAB3GAP1 (RAB3 GTPase activating protein catalytic subunit 1; plus strand). Cytogenetic location: 2q21.3.
Variant type: single nucleotide variant.
Coding change: c.2773C>T on transcript NM_012233.3 (MANE Select); coding-DNA position 2773, C replaced by T.
Protein change: p.Gln925Ter; replaces glutamine 925 with a stop codon.
Molecular consequence: nonsense.
Genome position (GRCh38, 1-based): chr2:135,168,608, C>T. VCF-style: chr2-135168608-C-T. GRCh37 (hg19) VCF-style: chr2-135926178-C-T.
Other names: c.2794C>T, p.Gln932Ter (NM_001172435.2); short protein forms Q932*, Q925*.
Identifiers: ClinVar variation 667315 (VCV000667315.4), dbSNP rs1573622710, ClinGen allele CA348588673.

ClinVar aggregate classification (germline): Uncertain significance (1 of 4 stars; one submission).

Submission:

Laboratory for Molecular Medicine, Mass General Brigham Personalized Medicine
Classification: Uncertain significance. Last evaluated: 2018-09-26. Review status: criteria provided, single submitter. Criteria: LMM Criteria. Collection method: clinical testing. Allele origin: germline. Observed: 1 variant allele.
Comment: Variant classified as Uncertain Significance - Favor Pathogenic. The p.Gln932X v ariant in RAB3GAP1 has not been previously reported in individuals with Warburg micro syndrome and was absent from large population studies. This nonsense varia nt leads to a premature termination codon at position 932. This alteration occur s within the last exon and is therefore likely to escape nonsense mediated decay (NMD) and result in a truncated protein. In summary, while there is some suspic ion for a pathogenic role, the clinical significance of the p.Gln932X variant is uncertain. ACMG/AMP criteria applied: PM2, PVS1_Moderate.